The following is an entry in ClinVar:

ClinVar aggregate classification (germline): Uncertain significance (1 of 4 stars; one submission).

Conditions:
Dyskeratosis congenita, autosomal dominant 6 (DKCA6). Identifiers: Orphanet 3322, MedGen C4225284, MONDO:0014690, OMIM 616553.

Submission:

Labcorp Genetics (formerly Invitae), Labcorp
Classification: Uncertain significance for Dyskeratosis congenita, autosomal dominant 6. Last evaluated: 2022-06-16. Review status: criteria provided, single submitter. Criteria: Invitae Variant Classification Sherloc (09022015). Collection method: clinical testing. Allele origin: germline.
Comment: In summary, the available evidence is currently insufficient to determine the role of this variant in disease. Therefore, it has been classified as a Variant of Uncertain Significance. Experimental studies and prediction algorithms are not available or were not evaluated, and the functional significance of this variant is currently unknown. This variant has not been reported in the literature in individuals affected with ACD-related conditions. This variant is not present in population databases (gnomAD no frequency). This variant, c.915_923dup, results in the insertion of 3 amino acid(s) of the ACD protein (p.Tyr306_Val308dup), but otherwise preserves the integrity of the reading frame.

NM_001082486.2(ACD):c.657_665dup (p.Tyr220_Val222dup)

Gene: ACD (ACD shelterin complex subunit and telomerase recruitment factor; minus strand). Cytogenetic location: 16q22.1.
Variant type: Duplication.
Coding change: c.657_665dup on transcript NM_001082486.2 (MANE Select); coding-DNA positions 657 to 665, 9 bases duplicated (GTACACTGT; older notation c.657_665dupGTACACTGT).
Protein change: p.Tyr220_Val222dup.
Molecular consequence: inframe insertion.
Genome position (GRCh38, 1-based): chr16:67,658,797-67,658,805, ACAGTGTAC duplicated on the plus strand (GTACACTGT on the coding strand, the reverse complement: ACD is on the minus strand); duplicating any 9 consecutive bases within chr16:67,658,797-67,658,809 gives the same sequence; the c. name uses the placement nearest the transcript's 3' end. VCF-style (leftmost placement, unchanged base first): chr16-67658796-G-GACAGTGTAC. GRCh37 (hg19) VCF-style: chr16-67692699-G-GACAGTGTAC.
Other names: c.648_656dup, p.Tyr217_Val219dup (NM_022914.3).
Identifiers: ClinVar variation 1378196 (VCV001378196.6), dbSNP rs2142970611, ClinGen allele CA2573152552.
Genomic context (GRCh38, chr16:67,658,796, plus strand): 5'-GGGGCCTAGAGAGCTCAGAATTAGCTGGTCATTCTCAGAGATGCACAGCATTGAGCTGGG[G>GACAGTGTAC]ACAGTGTACACAGCTTCTCCCTGTGGGACATGAACTCTGTAGGACAGGCCCGTTTACTCT-3'